The following is an entry in ClinVar:

NM_020706.2(SCAF4):c.2733G>A (p.Pro911=)

Gene: SCAF4 (SR-related CTD associated factor 4; minus strand). Cytogenetic location: 21q22.11.
Variant type: single nucleotide variant.
Coding change: c.2733G>A on transcript NM_020706.2 (MANE Select); coding-DNA position 2733, G replaced by A.
Protein change: p.Pro911=; no amino-acid change (proline 911 retained).
Molecular consequence: synonymous variant.
Genome position (GRCh38, 1-based): chr21:31,672,110, C>T on the plus strand (G>A on the coding strand, the complement: SCAF4 is on the minus strand). VCF-style: chr21-31672110-C-T. GRCh37 (hg19) VCF-style: chr21-33044423-C-T.
Other names: c.2688G>A, p.Pro896= (NM_001145444.1); c.2667G>A, p.Pro889= (NM_001145445.1).
Identifiers: ClinVar variation 5040278 (VCV005040278.1).
Genomic context (GRCh38, chr21:31,672,110, plus strand): 5'-TGGGCCTGGCCCTGGGCCCCCGAGCCCTGGCATTCCACCAGGCCTAACAAAGGGGCCATG[C>T]GGTGGGAAGGGACCTTTCATTCCATGAGGTGGAGGCATCGCAAAGCCCCCTGGTCCTGGC-3'
Protein context (NP_065757.1, residues 901-921): PPHGMKGPFP[Pro911=]HGPFVRPGGM

ClinVar aggregate classification (germline): Likely benign (1 of 4 stars; one submission).

gnomAD v4.1: 13 of 1,612,144 alleles (0.00081%); highest among the groups gnomAD compares: Middle Eastern, 0.016%; no homozygotes.

Submission:

CeGaT Center for Human Genetics Tuebingen
Classification: Likely benign. Last evaluated: 2026-07-01. Review status: criteria provided, single submitter. Criteria: CeGaT Center For Human Genetics Tuebingen Variant Classification Criteria Version 2. Collection method: clinical testing. Allele origin: germline. Affected: yes. Observed: 1 variant allele.
Comment: SCAF4: BP4, BP7